The following is an entry in ClinVar:

ClinVar aggregate classification (germline): Likely pathogenic. Review status: criteria provided, multiple submitters, no conflicts (2 of 4 stars). 2 submissions from 2 submitters: Likely pathogenic (2). Last evaluated 2026-07-01.

Conditions:
Glycogen storage disease, type II (IOPD). Also called: Pompe Disease; CARDIOMEGALIA GLYCOGENICA DIFFUSA; GLYCOGENOSIS, GENERALIZED, CARDIAC FORM; GSD II; POMPE DISEASE, INFANTILE-ONSET; GLYCOGEN STORAGE DISEASE II, INFANTILE-ONSET. Identifiers: Orphanet 365, MedGen C0017921, MONDO:0009290, OMIM 232300.

Submissions (2):

Genomenon, Inc
Classification: Likely pathogenic for Glycogen storage disease, type II. Last evaluated: 2026-07-01. Review status: criteria provided, single submitter. Criteria: Genomenon Sequence Variant Interpretation Standards - Updated. Collection method: curation. Allele origin: germline. Affected: yes.
Comment: GAA p.Cys533Tyr (c.1598G>A) is a missense variant that changes the amino acid at codon 533 from Cysteine to Tyrosine. This variant has been observed in at least one proband with a GAA-related disorder in the compound heterozygous and/or homozygous state (PMID:33301762). It is absent or not present at a significant frequency in gnomAD. In silico models predict that this variant is possibly or probably damaging. In conclusion, we classify GAA p.Cys533Tyr (c.1598G>A) as a likely pathogenic variant.

Labcorp Genetics (formerly Invitae), Labcorp
Classification: Likely pathogenic for Glycogen storage disease, type II. Last evaluated: 2025-10-01. Review status: criteria provided, single submitter. Criteria: Invitae Variant Classification Sherloc (09022015). Collection method: clinical testing. Allele origin: germline.
Comment: This sequence change replaces cysteine, which is neutral and slightly polar, with tyrosine, which is neutral and polar, at codon 533 of the GAA protein (p.Cys533Tyr). This variant is not present in population databases (gnomAD no frequency). This missense change has been observed in individual(s) with clinical features of Pompe disease (PMID: 33301762). Invitae Evidence Modeling of protein sequence and biophysical properties (such as structural, functional, and spatial information, amino acid conservation, physicochemical variation, residue mobility, and thermodynamic stability) indicates that this missense variant is expected to disrupt GAA protein function with a positive predictive value of 95%. This variant disrupts the p.Cys533 amino acid residue in GAA. Other variant(s) that disrupt this residue have been observed in individuals with GAA-related conditions (PMID: 28394184), which suggests that this may be a clinically significant amino acid residue. In summary, the currently available evidence indicates that the variant is pathogenic, but additional data are needed to prove that conclusively. Therefore, this variant has been classified as Likely Pathogenic.

Literature cited by the submitters: PubMed 33301762 (cited by Genomenon, Inc and Labcorp Genetics (formerly Invitae), Labcorp); PubMed 28394184 (cited by Labcorp Genetics (formerly Invitae), Labcorp).

NM_000152.5(GAA):c.1598G>A (p.Cys533Tyr)

Gene: GAA (alpha glucosidase; plus strand). Cytogenetic location: 17q25.3.
Variant type: single nucleotide variant.
Coding change: c.1598G>A on transcript NM_000152.5 (MANE Select); coding-DNA position 1598, G replaced by A.
Protein change: p.Cys533Tyr; replaces cysteine 533 with tyrosine.
Molecular consequence: missense variant.
Genome position (GRCh38, 1-based): chr17:80,110,987, G>A. VCF-style: chr17-80110987-G-A. GRCh37 (hg19) VCF-style: chr17-78084786-G-A.
Other names: c.1598G>A, p.Cys533Tyr (NM_001079803.3, NM_001079804.3, NM_001406741.1 and 1 more transcripts); short protein forms C533Y.
Identifiers: ClinVar variation 4780825 (VCV004780825.2).
Genomic context (GRCh38, chr17:80,110,987, plus strand): 5'-CGCTTCTCTTGCAGGACATGAACGAGCCTTCCAACTTCATCAGGGGCTCTGAGGACGGCT[G>A]CCCCAACAATGAGCTGGAGAACCCACCCTACGTGCCTGGTCAGCTCGCCCCCCACCTACC-3'
Protein context (NP_000143.2, residues 523-543): SNFIRGSEDG[Cys533Tyr]PNNELENPPY